The following is an entry in ClinVar:

NM_005050.4(ABCD4):c.675G>C (p.Lys225Asn)

Gene: ABCD4 (ATP binding cassette subfamily D member 4; minus strand). Cytogenetic location: 14q24.3.
Variant type: single nucleotide variant.
Coding change: c.675G>C on transcript NM_005050.4 (MANE Select); coding-DNA position 675, G replaced by C.
Protein change: p.Lys225Asn; replaces lysine 225 with asparagine.
Molecular consequence: missense variant. On other transcripts: 5 prime UTR variant (9), non-coding transcript variant (9), intron variant (2).
Genome position (GRCh38, 1-based): chr14:74,295,192, C>G on the plus strand (G>C on the coding strand, the complement: ABCD4 is on the minus strand). VCF-style: chr14-74295192-C-G. GRCh37 (hg19) VCF-style: chr14-74761895-C-G.
Other names: c.549G>C, p.Lys183Asn (NM_001353591.2, NM_001353592.2); c.414G>C, p.Lys138Asn (NM_001353593.2); c.261G>C, p.Lys87Asn (NM_001353595.2, NM_001353596.2); c.198G>C, p.Lys66Asn (NM_001353598.2, NM_001353599.2, NM_001353600.2 and 2 more transcripts); c.-20G>C (NM_001353602.2, NM_001353603.2, NM_001353604.2 and 6 more transcripts); c.546G>C, p.Lys182Asn (NM_020323.1); c.675G>C, p.Lys225Asn (NM_020325.3); c.407+662G>C (NM_001353594.2); and 1 more; short protein forms K138N, K182N, K183N, K225N, K66N, K87N.
Identifiers: ClinVar variation 1712000 (VCV001712000.4), dbSNP rs1262004302, ClinGen allele CA390376191.
Genomic context (GRCh38, chr14:74,295,192, plus strand): 5'-ATCTCTCCAGACTCACCTGTAGAAAGCAGCAGGCTCCGCATTCACCCGAATCTGCATGTG[C>G]TTGAACCTGGGCGGACCAAAGGGAAATGTGTGCTGACAACAGGGAGTACTGGCCTCACTC-3'
Protein context (NP_005041.1, residues 215-235): QEKLEGDFRF[Lys225Asn]HMQIRVNAEP

ClinVar aggregate classification (germline): Uncertain significance. Review status: criteria provided, multiple submitters, no conflicts (2 of 4 stars). 2 submissions from 2 submitters: Uncertain significance (2). Last evaluated 2022-10-24.

Conditions:
Methylmalonic acidemia with homocystinuria, type cblJ (MAHCJ). Also called: METHYLMALONIC ACIDURIA AND HOMOCYSTINURIA, cblJ TYPE. Identifiers: Orphanet 369955, MedGen C3553915, MONDO:0013925, OMIM 614857.

Allele frequency attached by ClinVar (database versions not stated): gnomAD 0.00001; TOPMed 0.00002.
gnomAD v4.1: 11 of 1,614,228 alleles (0.00068%); highest among the groups gnomAD compares: Admixed American, 0.018%; no homozygotes.

Submissions (2):

GeneDx
Classification: Uncertain significance. Last evaluated: 2022-10-24. Review status: criteria provided, single submitter. Criteria: GeneDx Variant Classification Process June 2021. Collection method: clinical testing. Allele origin: germline. Affected: yes.
Comment: In silico analysis supports that this missense variant has a deleterious effect on protein structure/function; Has not been previously published as pathogenic or benign to our knowledge

Labcorp Genetics (formerly Invitae), Labcorp
Classification: Uncertain significance for Methylmalonic acidemia with homocystinuria, type cblJ. Last evaluated: 2022-08-08. Review status: criteria provided, single submitter. Criteria: Invitae Variant Classification Sherloc (09022015). Collection method: clinical testing. Allele origin: germline.
Comment: This sequence change replaces lysine, which is basic and polar, with asparagine, which is neutral and polar, at codon 225 of the ABCD4 protein (p.Lys225Asn). This variant is present in population databases (no rsID available, gnomAD 0.006%). This variant has not been reported in the literature in individuals affected with ABCD4-related conditions. Algorithms developed to predict the effect of missense changes on protein structure and function (SIFT, PolyPhen-2, Align-GVGD) all suggest that this variant is likely to be disruptive. In summary, the available evidence is currently insufficient to determine the role of this variant in disease. Therefore, it has been classified as a Variant of Uncertain Significance.